The following is an entry in ClinVar:

ClinVar aggregate classification (germline): Uncertain significance (1 of 4 stars; one submission).

Conditions:
Long QT syndrome (LQTS). Identifiers: MedGen C0023976, MeSH D008133, MONDO:0002442. Disease mechanism: loss of function. Inheritance: Various modes of inheritance.

gnomAD v4.1: 2 of 1,598,366 alleles (0.00013%); highest among the groups gnomAD compares: Non-Finnish European, 0.00017%; no homozygotes.

Submission:

All of Us Research Program, National Institutes of Health
Classification: Uncertain significance for Long QT syndrome. Last evaluated: 2023-04-10. Review status: criteria provided, single submitter. Criteria: ACMG Guidelines, 2015. Collection method: clinical testing. Allele origin: germline. Inheritance: Autosomal dominant inheritance. Observed: 1 variant allele, 1 heterozygote.
Comment: This variant causes a T to G nucleotide substitution at the -11 position of intron 12 of the KCNH2 gene. To our knowledge, functional studies have not been reported for this variant. This variant has not been reported in individuals affected with KCNH2-related disorders in the literature. This variant has not been identified in the general population by the Genome Aggregation Database (gnomAD). The available evidence is insufficient to determine the role of this variant in disease conclusively. Therefore, this variant is classified as a Variant of Uncertain Significance.

This study involves interpretation of variants in research participants for the purpose of population health screening. Participant phenotype was not available at the time of variant classification. Additional details can be found in publication PMID: 35346344, PMCID: PMC8962531

NM_000238.4(KCNH2):c.2966-11T>G

Gene: KCNH2 (potassium voltage-gated channel subfamily H member 2; minus strand). Cytogenetic location: 7q36.1.
Variant type: single nucleotide variant.
Coding change: c.2966-11T>G on transcript NM_000238.4 (MANE Select); 11 bases into the intron before coding-DNA position 2966, T replaced by G.
Molecular consequence: intron variant.
Genome position (GRCh38, 1-based): chr7:150,947,525, A>C on the plus strand (T>G on the coding strand, the complement: KCNH2 is on the minus strand). VCF-style: chr7-150947525-A-C. GRCh37 (hg19) VCF-style: chr7-150644613-A-C.
Other names: c.2678-11T>G (NM_001406753.1); c.1946-11T>G (NM_172057.3).
Identifiers: ClinVar variation 3070403 (VCV003070403.1), dbSNP rs2486005447, ClinGen allele CA2685602076.
Genomic context (GRCh38, chr7:150,947,525, plus strand): 5'-CCGACTGTCCCCCCAGAAGCTGAAAATGTTGGACACTCCTGAGAAGGCGCCTGCAGCCAG[A>C]GAGCAGAGCTGGGTGAGCGGGGTAGACGCACCACCGCTGCCACGCCCGGTCCTCCCTCGC-3'